The following is an entry in ClinVar:

ClinVar aggregate classification (germline): Uncertain significance (1 of 4 stars; one submission).

Conditions:
Cardiovascular phenotype. Identifiers: MedGen CN230736.

Submission:

Ambry Genetics
Classification: Uncertain significance for Cardiovascular phenotype. Last evaluated: 2024-03-15. Review status: criteria provided, single submitter. Criteria: Ambry Variant Classification Scheme 2023. Collection method: clinical testing. Allele origin: germline.
Comment: The p.H347Y variant (also known as c.1039C>T), located in coding exon 8 of the ABCG5 gene, results from a C to T substitution at nucleotide position 1039. The histidine at codon 347 is replaced by tyrosine, an amino acid with similar properties. This amino acid position is conserved. In addition, this alteration is predicted to be tolerated by in silico analysis. Based on the available evidence, the clinical significance of this alteration remains unclear.

NM_022436.3(ABCG5):c.1039C>T (p.His347Tyr)

Genes: ABCG5 (ATP binding cassette subfamily G member 5; minus strand), DYNC2LI1 (dynein cytoplasmic 2 light intermediate chain 1; plus strand). Cytogenetic location: 2p21.
Variant type: single nucleotide variant.
Coding change: c.1039C>T on transcript NM_022436.3 (MANE Select); coding-DNA position 1039, C replaced by T.
Protein change: p.His347Tyr; replaces histidine 347 with tyrosine.
Molecular consequence: missense variant. On other transcripts: intron variant (2).
Genome position (GRCh38, 1-based): chr2:43,824,298, G>A on the plus strand (C>T on the coding strand, the complement: ABCG5 is on the minus strand). VCF-style: chr2-43824298-G-A. GRCh37 (hg19) VCF-style: chr2-44051437-G-A.
Other names: c.*16-3088G>A (NM_001348913.2, NM_001348912.2); short protein forms H347Y.
Identifiers: ClinVar variation 3309297 (VCV003309297.1).